The following is an entry in ClinVar:

NM_000091.5(COL4A3):c.1523G>A (p.Gly508Asp)

Genes: MFF-DT (MFF divergent transcript; minus strand), COL4A3 (collagen type IV alpha 3 chain; plus strand). Cytogenetic location: 2q36.3.
Variant type: single nucleotide variant.
Coding change: c.1523G>A on transcript NM_000091.5 (MANE Select); coding-DNA position 1523, G replaced by A.
Protein change: p.Gly508Asp; replaces glycine 508 with aspartic acid.
Molecular consequence: missense variant.
Genome position (GRCh38, 1-based): chr2:227,269,928, G>A. VCF-style: chr2-227269928-G-A. GRCh37 (hg19) VCF-style: chr2-228134644-G-A.
Other names: short protein forms G508D.
Identifiers: ClinVar variation 3233581 (VCV003233581.3), dbSNP rs757774756, ClinGen allele CA2146698.
Genomic context (GRCh38, chr2:227,269,928, plus strand): 5'-GGCGTTCAATGAGGAGTTAGTTAATAATTCGTTGATTTGCAGGAAGACAAGGCGCAGCTG[G>A]CTTGAAAGGAAGCCCAGGGTCCCCAGGAAATACAGGTCTTCCAGGATTTCCAGTAAGATT-3'
Protein context (NP_000082.2, residues 498-518): KGIPGRQGAA[Gly508Asp]LKGSPGSPGN

ClinVar aggregate classification (germline): Conflicting classifications of pathogenicity. Review status: criteria provided, conflicting classifications (1 of 4 stars). 2 submissions from 2 submitters: Likely pathogenic (1); Uncertain significance (1). Last evaluated 2024-03-11.

Conditions:
Autosomal dominant Alport syndrome (ATS3A). Also called: Alport syndrome dominant type; Renal failure and sensorineural hearing loss; ALPORT SYNDROME 3A, AUTOSOMAL DOMINANT. Identifiers: Orphanet 63, Orphanet 88918, MedGen C5882663, MONDO:0007086, OMIM 104200.
Hematuria, benign familial, 2 (BFH2). Identifiers: MedGen C5830421, MONDO:0958186, OMIM 620320.
Alport syndrome 3b, autosomal recessive. Identifiers: MedGen C5882699, MONDO:0957811, OMIM 620536.

Allele frequency attached by ClinVar (database versions not stated): TOPMed below 0.00001; gnomAD 0.00001; gnomAD exomes 0.00001; ExAC 0.00005.
gnomAD v4.1: 8 of 1,613,746 alleles (0.0005%); highest among the groups gnomAD compares: Non-Finnish European, 0.00059%; no homozygotes.

Submissions (2):

Fulgent Genetics
Classification: Likely pathogenic for Autosomal dominant Alport syndrome; Hematuria, benign familial, 2; Alport syndrome 3b, autosomal recessive. Last evaluated: 2024-03-11. Review status: criteria provided, single submitter. Criteria: ACMG Guidelines, 2015. Collection method: clinical testing. Allele origin: germline.

Women's Health and Genetics/Laboratory Corporation of America, LabCorp
Classification: Uncertain significance. Last evaluated: 2024-03-08. Review status: criteria provided, single submitter. Criteria: LabCorp Variant Classification Summary - May 2015. Collection method: clinical testing. Allele origin: germline.
Comment: Variant summary: COL4A3 c.1523G>A (p.Gly508Asp) results in a non-conservative amino acid change in the encoded protein sequence. Five of five in-silico tools predict a damaging effect of the variant on protein function. The variant allele was found at a frequency of 2.4e-05 in 249418 control chromosomes (gnomAD). The available data on variant occurrences in the general population are insufficient to allow any conclusion about variant significance. To our knowledge, no occurrence of c.1523G>A in individuals affected with Alport Syndrome, Autosomal Recessive and no experimental evidence demonstrating its impact on protein function have been reported. No submitters have cited clinical-significance assessments for this variant to ClinVar. Based on the evidence outlined above, the variant was classified as uncertain significance.